The following is an entry in ClinVar:

NM_000152.5(GAA):c.2470_2471del (p.Ile824fs)

Gene: GAA (alpha glucosidase; plus strand). Cytogenetic location: 17q25.3.
Variant type: Deletion.
Coding change: c.2470_2471del on transcript NM_000152.5 (MANE Select); coding-DNA positions 2470 to 2471, 2 bases deleted (AT; older notation c.2470_2471delAT).
Protein change: p.Ile824fs; shifts the reading frame from isoleucine 824.
Molecular consequence: frameshift variant.
Genome position (GRCh38, 1-based): chr17:80,117,738-80,117,739, AT deleted. VCF-style (leftmost placement, unchanged base first): chr17-80117737-CAT-C. GRCh37 (hg19) VCF-style: chr17-78091536-CAT-C.
Other names: c.2470_2471del, p.Ile824fs (NM_001079803.3, NM_001079804.3); short protein forms I824fs.
Identifiers: ClinVar variation 1425386 (VCV001425386.6), dbSNP rs2143926009, ClinGen allele CA2573154967.

ClinVar aggregate classification (germline): Pathogenic (1 of 4 stars; one submission).

Conditions:
Glycogen storage disease, type II (IOPD). Also called: Aglucosidase alfa; Deficiency of alpha-glucosidase; Deficiency of lysosomal alpha-glucosidase; CARDIOMEGALIA GLYCOGENICA DIFFUSA; Glucosidase acid-1,4-alpha deficiency; Pompe Disease. Identifiers: Orphanet 365, MedGen C0017921, MONDO:0009290, OMIM 232300.

Submission:

Labcorp Genetics (formerly Invitae), Labcorp
Classification: Pathogenic for Glycogen storage disease, type II. Last evaluated: 2021-06-17. Review status: criteria provided, single submitter. Criteria: Invitae Variant Classification Sherloc (09022015). Collection method: clinical testing. Allele origin: germline.
Comment: For these reasons, this variant has been classified as Pathogenic. This variant has not been reported in the literature in individuals with GAA-related conditions. This variant is not present in population databases (ExAC no frequency). This sequence change creates a premature translational stop signal (p.Ile824Profs*59) in the GAA gene. It is expected to result in an absent or disrupted protein product. Loss-of-function variants in GAA are known to be pathogenic (PMID: 18425781, 22252923).

Literature cited by the submitters: PubMed 18425781; PubMed 22252923.